The following is an entry in ClinVar:

ClinVar aggregate classification (germline): Uncertain significance. Review status: criteria provided, multiple submitters, no conflicts (2 of 4 stars). 3 submissions from 3 submitters: Uncertain significance (3). Last evaluated 2026-01-18.

Conditions:
Familial thoracic aortic aneurysm and aortic dissection (TAAD). Also called: Thoracic aortic aneurysms and dissections. Identifiers: Orphanet 91387, MedGen C4707243, MONDO:0019625.
Hereditary cancer-predisposing syndrome. Also called: Tumor predisposition; Neoplastic Syndromes, Hereditary; Hereditary Cancer Syndrome; Hereditary neoplastic syndrome. Identifiers: Orphanet 140162, MedGen C0027672, MeSH D009386, MONDO:0015356.
Juvenile polyposis syndrome (JPS). Identifiers: Orphanet 2929, MedGen C0345893, MONDO:0017380, OMIM 174900.

Submissions (3):

Labcorp Genetics (formerly Invitae), Labcorp
Classification: Uncertain significance for Juvenile polyposis syndrome. Last evaluated: 2026-01-18. Review status: criteria provided, single submitter. Criteria: Invitae Variant Classification Sherloc (09022015). Collection method: clinical testing. Allele origin: germline.
Comment: This sequence change replaces isoleucine, which is neutral and non-polar, with methionine, which is neutral and non-polar, at codon 217 of the SMAD4 protein (p.Ile217Met). This variant is not present in population databases (gnomAD no frequency). This variant has not been reported in the literature in individuals affected with SMAD4-related conditions. ClinVar contains an entry for this variant (Variation ID: 628890). Invitae Evidence Modeling of protein sequence and biophysical properties (such as structural, functional, and spatial information, amino acid conservation, physicochemical variation, residue mobility, and thermodynamic stability) indicates that this missense variant is not expected to disrupt SMAD4 protein function with a negative predictive value of 95%. In summary, the available evidence is currently insufficient to determine the role of this variant in disease. Therefore, it has been classified as a Variant of Uncertain Significance.

Ambry Genetics
Classification: Uncertain significance for Hereditary cancer-predisposing syndrome; Familial thoracic aortic aneurysm and aortic dissection. Last evaluated: 2024-09-16. Review status: criteria provided, single submitter. Criteria: Ambry Variant Classification Scheme 2023. Collection method: clinical testing. Allele origin: germline.
Comment: The p.I217M variant (also known as c.651T>G), located in coding exon 4 of the SMAD4 gene, results from a T to G substitution at nucleotide position 651. The isoleucine at codon 217 is replaced by methionine, an amino acid with highly similar properties. This amino acid position is well conserved in available vertebrate species. In addition, the in silico prediction for this alteration is inconclusive. Since supporting evidence is limited at this time, the clinical significance of this alteration remains unclear.

Color Diagnostics, LLC DBA Color Health
Classification: Uncertain significance for Hereditary cancer-predisposing syndrome. Last evaluated: 2023-12-05. Review status: criteria provided, single submitter. Criteria: ACMG Guidelines, 2015. Collection method: clinical testing. Allele origin: germline.
Comment: This missense variant replaces isoleucine with methionine at codon 217 of the SMAD4 protein. Computational prediction suggests that this variant may not impact protein structure and function (internally defined REVEL score threshold <= 0.5, PMID: 27666373). To our knowledge, functional studies have not been reported for this variant. This variant has not been reported in individuals affected with SMAD4-related disorders in the literature. This variant has not been identified in the general population by the Genome Aggregation Database (gnomAD). The available evidence is insufficient to determine the role of this variant in disease conclusively. Therefore, this variant is classified as a Variant of Uncertain Significance.

NM_005359.6(SMAD4):c.651T>G (p.Ile217Met)

Gene: SMAD4 (SMAD family member 4; plus strand). Cytogenetic location: 18q21.2.
Variant type: single nucleotide variant.
Coding change: c.651T>G on transcript NM_005359.6 (MANE Select); coding-DNA position 651, T replaced by G.
Protein change: p.Ile217Met; replaces isoleucine 217 with methionine.
Molecular consequence: missense variant.
Genome position (GRCh38, 1-based): chr18:51,054,977, T>G. VCF-style: chr18-51054977-T-G. GRCh37 (hg19) VCF-style: chr18-48581347-T-G.
Other names: short protein forms I217M.
Identifiers: ClinVar variation 628890 (VCV000628890.18), dbSNP rs997151197, ClinGen allele CA402461310.